The following is an entry in ClinVar:

NM_018076.5(ODAD2):c.534G>C (p.Leu178Phe)

Gene: ODAD2 (outer dynein arm docking complex subunit 2; minus strand). Cytogenetic location: 10p12.1.
Variant type: single nucleotide variant.
Coding change: c.534G>C on transcript NM_018076.5 (MANE Select); coding-DNA position 534, G replaced by C.
Protein change: p.Leu178Phe; replaces leucine 178 with phenylalanine.
Molecular consequence: missense variant.
Genome position (GRCh38, 1-based): chr10:27,985,060, C>G on the plus strand (G>C on the coding strand, the complement: ODAD2 is on the minus strand). VCF-style: chr10-27985060-C-G. GRCh37 (hg19) VCF-style: chr10-28273989-C-G.
Other names: c.534G>C, p.Leu178Phe (NM_001290020.2); short protein forms L178F.
Identifiers: ClinVar variation 699748 (VCV000699748.35), dbSNP rs550542420, ClinGen allele CA5453794.
Genomic context (GRCh38, chr10:27,985,060, plus strand): 5'-CTTTTTGAAAAAGACTCACAATGAAATATGTTTTAGAGAATGATTGAGGAGGTGCAGATC[C>G]AATTGCTTAAGCAGCATAGCAATCTTCATCTTAATTTCACTTTCAGGATCATCATCTCTG-3'
Protein context (NP_060546.2, residues 168-188): KMKIAMLLKQ[Leu178Phe]DLHLLNHSLK

ClinVar aggregate classification (germline): Likely benign. Review status: criteria provided, multiple submitters, no conflicts (2 of 4 stars). 3 submissions from 3 submitters: Likely benign (3). Last evaluated 2025-12-17.

Conditions:
Primary ciliary dyskinesia 23 (CILD23). Also called: CILIARY DYSKINESIA, PRIMARY, 23, WITH OR WITHOUT SITUS INVERSUS. Identifiers: Orphanet 244, MedGen C3809548, MONDO:0014193, OMIM 615451.

Allele frequency attached by ClinVar (database versions not stated): TOPMed 0.00002; gnomAD 0.00003; 1000 Genomes Project 0.00140; 1000 Genomes Project 30x 0.00156.
gnomAD v4.1: 331 of 1,609,012 alleles (0.021%); highest among the groups gnomAD compares: South Asian, 0.25%; 9 homozygotes.

Submissions (3):

Labcorp Genetics (formerly Invitae), Labcorp
Classification: Likely benign for Primary ciliary dyskinesia 23. Last evaluated: 2025-12-17. Review status: criteria provided, single submitter. Criteria: Invitae Variant Classification Sherloc (09022015). Collection method: clinical testing. Allele origin: germline.

CeGaT Center for Human Genetics Tuebingen
Classification: Likely benign. Last evaluated: 2023-09-01. Review status: criteria provided, single submitter. Criteria: CeGaT Center For Human Genetics Tuebingen Variant Classification Criteria Version 2. Collection method: clinical testing. Allele origin: germline. Affected: yes. Observed: 1 variant allele.
Comment: ODAD2: BP4, BS2

Breakthrough Genomics
Classification: Likely benign. Review status: criteria provided, single submitter. Criteria: ACMG Guidelines, 2015. Collection method: not provided. Allele origin: germline. Inheritance: Autosomal recessive inheritance. Affected: yes.